The following is an entry in ClinVar:

ClinVar aggregate classification (germline): Uncertain significance (1 of 4 stars; one submission).

Submission:

GeneDx
Classification: Uncertain significance. Last evaluated: 2021-03-08. Review status: criteria provided, single submitter. Criteria: GeneDx Variant Classification Process June 2021. Collection method: clinical testing. Allele origin: germline. Affected: yes.
Comment: Not observed in large population cohorts (Lek et al., 2016); In silico analysis supports that this missense variant does not alter protein structure/function; Has not been previously published as pathogenic or benign to our knowledge

NM_032188.3(KAT8):c.271G>A (p.Val91Ile)

Gene: KAT8 (lysine acetyltransferase 8; plus strand). Cytogenetic location: 16p11.2.
Variant type: single nucleotide variant.
Coding change: c.271G>A on transcript NM_032188.3 (MANE Select); coding-DNA position 271, G replaced by A.
Protein change: p.Val91Ile; replaces valine 91 with isoleucine.
Molecular consequence: missense variant.
Genome position (GRCh38, 1-based): chr16:31,120,245, G>A. VCF-style: chr16-31120245-G-A. GRCh37 (hg19) VCF-style: chr16-31131566-G-A.
Other names: c.271G>A, p.Val91Ile (NM_182958.4); short protein forms V91I.
Identifiers: ClinVar variation 1304632 (VCV001304632.2), dbSNP rs2143966211, ClinGen allele CA395668165.